The following is an entry in ClinVar:

ClinVar aggregate classification (germline): Pathogenic (1 of 4 stars; one submission).

Conditions:
Branchiootorenal syndrome 1. Also called: Branchio-Oto-Renal Syndrome 1. Identifiers: Orphanet 107, MedGen C4551702, MONDO:0007236, OMIM 113650.

Submission:

Institute of Rare Diseases, West China Hospital, Sichuan University
Classification: Pathogenic for Branchiootorenal syndrome 1. Last evaluated: 2025-01-09. Review status: criteria provided, single submitter. Criteria: ClinGen HL ACMG Specifications v1. Collection method: research. Allele origin: germline. Affected: yes.
Comment: PVS1;PS2;PM2_Supporting

NM_000503.6(EYA1):c.1200-1G>C

Gene: EYA1 (EYA transcriptional coactivator and phosphatase 1; minus strand). Cytogenetic location: 8q13.3.
Variant type: single nucleotide variant.
Coding change: c.1200-1G>C on transcript NM_000503.6 (MANE Select); the canonical splice acceptor site of the intron before coding-DNA position 1200, G replaced by C.
Molecular consequence: splice acceptor variant.
Genome position (GRCh38, 1-based): chr8:71,216,853, C>G on the plus strand (G>C on the coding strand, the complement: EYA1 is on the minus strand). VCF-style: chr8-71216853-C-G. GRCh37 (hg19) VCF-style: chr8-72129088-C-G.
Other names: c.1179-1G>C (NM_001370336.1); c.1287-1G>C (NM_001370333.1); c.1200-1G>C (NM_001370335.1, NM_001370334.1, NM_172058.4); c.1182-1G>C (NM_172059.5, NM_001288574.2); c.1101-1G>C (NM_001411797.1, NM_172060.4); c.834-1G>C (NM_001288575.2).
Identifiers: ClinVar variation 3601095 (VCV003601095.1).